The following is an entry in ClinVar:

NM_015978.3(TNNI3K):c.2119G>A (p.Glu707Lys)

Genes: FPGT-TNNI3K (FPGT-TNNI3K readthrough; plus strand), TNNI3K (TNNI3 interacting kinase; plus strand). Cytogenetic location: 1p31.1.
Variant type: single nucleotide variant.
Coding change: c.2119G>A on transcript NM_015978.3 (MANE Select); coding-DNA position 2119, G replaced by A.
Protein change: p.Glu707Lys; replaces glutamic acid 707 with lysine.
Molecular consequence: missense variant.
Genome position (GRCh38, 1-based): chr1:74,463,548, G>A. VCF-style: chr1-74463548-G-A. GRCh37 (hg19) VCF-style: chr1-74929232-G-A.
Other names: c.2422G>A, p.Glu808Lys (NM_001112808.3, NM_001199327.2); short protein forms E707K, E808K.
Identifiers: ClinVar variation 4768552 (VCV004768552.1).

ClinVar aggregate classification (germline): Uncertain significance (1 of 4 stars; one submission).

gnomAD v4.1: 1 of 1,614,142 alleles (0.000062%); highest among the groups gnomAD compares: Non-Finnish European, 0.000085%; no homozygotes.

Submission:

Labcorp Genetics (formerly Invitae), Labcorp
Classification: Uncertain significance. Last evaluated: 2025-06-15. Review status: criteria provided, single submitter. Criteria: Invitae Variant Classification Sherloc (09022015). Collection method: clinical testing. Allele origin: germline.
Comment: This sequence change replaces glutamic acid, which is acidic and polar, with lysine, which is basic and polar, at codon 707 of the TNNI3K protein (p.Glu707Lys). This variant is not present in population databases (gnomAD no frequency). This variant has not been reported in the literature in individuals affected with TNNI3K-related conditions. An algorithm developed to predict the effect of missense changes on protein structure and function (PolyPhen-2) suggests that this variant is likely to be tolerated. In summary, the available evidence is currently insufficient to determine the role of this variant in disease. Therefore, it has been classified as a Variant of Uncertain Significance.